The following is an entry in ClinVar:

NM_007194.4(CHEK2):c.545del (p.Pro182fs)

Gene: CHEK2 (checkpoint kinase 2; minus strand). Cytogenetic location: 22q12.1.
Variant type: Deletion.
Coding change: c.545del on transcript NM_007194.4 (MANE Select); coding-DNA position 545, one base deleted (C; older notation c.545delC).
Protein change: p.Pro182fs; shifts the reading frame from proline 182.
Molecular consequence: frameshift variant. On other transcripts: intron variant (1), 5 prime UTR variant (2).
Genome position (GRCh38, 1-based): chr22:28,725,024, G deleted on the plus strand (C on the coding strand, the reverse complement: CHEK2 is on the minus strand); the first of 2 consecutive G bases (chr22:28,725,024-28,725,025); deleting either gives the same sequence. VCF-style (leftmost placement, unchanged base first): chr22-28725023-AG-A. GRCh37 (hg19) VCF-style: chr22-29121011-AG-A.
Other names: c.674del, p.Pro225fs (NM_001438294.1, NM_001005735.3); c.638del, p.Pro213fs (NM_001438295.1, NM_001438293.1); c.545del, p.Pro182fs (NM_145862.3); c.445-101del (NM_001349956.3); c.-233del (NM_001257387.3); c.-119del (NM_001437942.1); short protein forms P213fs, P182fs, P225fs.
Identifiers: ClinVar variation 5034559 (VCV005034559.1).

ClinVar aggregate classification (germline): Pathogenic (1 of 4 stars; one submission).

Conditions:
Hereditary cancer-predisposing syndrome. Also called: Hereditary Cancer Syndrome; Neoplastic Syndromes, Hereditary; Tumor predisposition; Hereditary neoplastic syndrome. Identifiers: Orphanet 140162, MedGen C0027672, MeSH D009386, MONDO:0015356.

Submission:

Ambry Genetics
Classification: Pathogenic for Hereditary cancer-predisposing syndrome. Last evaluated: 2026-07-30. Review status: criteria provided, single submitter. Criteria: Ambry Variant Classification Scheme 2023. Collection method: clinical testing. Allele origin: germline.
Comment: The c.545delC pathogenic mutation, located in coding exon 3 of the CHEK2 gene, results from a deletion of one nucleotide at nucleotide position 545, causing a translational frameshift with a predicted alternate stop codon (p.P182Lfs*2). This variant is considered to be rare based on population cohorts in the Genome Aggregation Database (gnomAD). This alteration is expected to result in loss of function by premature protein truncation or nonsense-mediated mRNA decay. As such, this alteration is interpreted as a disease-causing mutation.